The following is an entry in ClinVar:

ClinVar aggregate classification (germline): Likely benign (1 of 4 stars; one submission).

Conditions:
NBEA-related disorder. Also called: NBEA-related condition.

gnomAD v4.1: 24 of 1,603,054 alleles (0.0015%); highest among the groups gnomAD compares: African/African-American, 0.0027%; no homozygotes.

Submission:

PreventionGenetics, part of Exact Sciences
Classification: Likely benign for NBEA-related condition. Last evaluated: 2025-07-29. Review status: criteria provided, single submitter. Criteria: ACMG Guidelines, 2015. Collection method: clinical testing. Allele origin: germline.
Comment: This variant is classified as likely benign based on ACMG/AMP sequence variant interpretation guidelines (Richards et al. 2015 PMID: 25741868, with internal and published modifications).

NM_001385012.1(NBEA):c.5982C>T (p.Ala1994=)

Gene: NBEA (neurobeachin; plus strand). Cytogenetic location: 13q13.3.
Variant type: single nucleotide variant.
Coding change: c.5982C>T on transcript NM_001385012.1 (MANE Select); coding-DNA position 5982, C replaced by T.
Protein change: p.Ala1994=; no amino-acid change (alanine 1994 retained).
Molecular consequence: synonymous variant.
Genome position (GRCh38, 1-based): chr13:35,349,186, C>T. VCF-style: chr13-35349186-C-T. GRCh37 (hg19) VCF-style: chr13-35923323-C-T.
Other names: c.5973C>T, p.Ala1991= (NM_001379245.1); c.5982C>T, p.Ala1994= (NM_015678.5).
Identifiers: ClinVar variation 4979079 (VCV004979079.1).